The following is an entry in ClinVar:

ClinVar aggregate classification (germline): Likely benign. Review status: criteria provided, multiple submitters, no conflicts (2 of 4 stars). 2 submissions from 2 submitters: Likely benign (2). Last evaluated 2026-07-20.

Conditions:
Spastic paraplegia. Identifiers: MedGen C0037772, HP:0001258.
CYP7B1-related disorder. Also called: CYP7B1-related condition.

Allele frequency attached by ClinVar (database versions not stated): gnomAD 0.00001; gnomAD exomes 0.00002; TOPMed 0.00002; ExAC 0.00006.
gnomAD v4.1: 12 of 1,612,950 alleles (0.00074%); highest among the groups gnomAD compares: Admixed American, 0.017%; no homozygotes.

Submissions (2):

PreventionGenetics, part of Exact Sciences
Classification: Likely benign for CYP7B1-related condition. Last evaluated: 2026-07-20. Review status: criteria provided, single submitter. Criteria: ACMG Guidelines, 2015. Collection method: clinical testing. Allele origin: germline.
Comment: This variant is classified as likely benign based on ACMG/AMP sequence variant interpretation guidelines (Richards et al. 2015 PMID: 25741868, with internal and published modifications).

Labcorp Genetics (formerly Invitae), Labcorp
Classification: Likely benign for Spastic paraplegia. Last evaluated: 2023-08-09. Review status: criteria provided, single submitter. Criteria: Invitae Variant Classification Sherloc (09022015). Collection method: clinical testing. Allele origin: germline.

NM_004820.5(CYP7B1):c.1058-6C>T

Gene: CYP7B1 (cytochrome P450 family 7 subfamily B member 1; minus strand). Cytogenetic location: 8q12.3.
Variant type: single nucleotide variant.
Coding change: c.1058-6C>T on transcript NM_004820.5 (MANE Select); 6 bases into the intron before coding-DNA position 1058, C replaced by T.
Molecular consequence: intron variant.
Genome position (GRCh38, 1-based): chr8:64,604,863, G>A on the plus strand (C>T on the coding strand, the complement: CYP7B1 is on the minus strand). VCF-style: chr8-64604863-G-A. GRCh37 (hg19) VCF-style: chr8-65517420-G-A.
Other names: c.1058-6C>T (NM_004820.4, NM_001324112.2).
Identifiers: ClinVar variation 2719784 (VCV002719784.4), dbSNP rs766613642, ClinGen allele CA4764061.